The following is an entry in ClinVar:

NM_005235.3(ERBB4):c.829C>T (p.His277Tyr)

Gene: ERBB4 (erb-b2 receptor tyrosine kinase 4; minus strand). Cytogenetic location: 2q34.
Variant type: single nucleotide variant.
Coding change: c.829C>T on transcript NM_005235.3 (MANE Select); coding-DNA position 829, C replaced by T.
Protein change: p.His277Tyr; replaces histidine 277 with tyrosine.
Molecular consequence: missense variant.
Genome position (GRCh38, 1-based): chr2:211,722,447, G>A on the plus strand (C>T on the coding strand, the complement: ERBB4 is on the minus strand). VCF-style: chr2-211722447-G-A. GRCh37 (hg19) VCF-style: chr2-212587172-G-A.
Other names: c.829C>T, p.His277Tyr (NM_001042599.2); short protein forms H277Y.
Identifiers: ClinVar variation 2119143 (VCV002119143.4), dbSNP rs2106122331, ClinGen allele CA350444294.

ClinVar aggregate classification (germline): Uncertain significance (1 of 4 stars; one submission).

Submission:

Labcorp Genetics (formerly Invitae), Labcorp
Classification: Uncertain significance. Last evaluated: 2022-03-29. Review status: criteria provided, single submitter. Criteria: Invitae Variant Classification Sherloc (09022015). Collection method: clinical testing. Allele origin: germline.
Comment: This sequence change replaces histidine, which is basic and polar, with tyrosine, which is neutral and polar, at codon 277 of the ERBB4 protein (p.His277Tyr). In summary, the available evidence is currently insufficient to determine the role of this variant in disease. Therefore, it has been classified as a Variant of Uncertain Significance. Algorithms developed to predict the effect of missense changes on protein structure and function are either unavailable or do not agree on the potential impact of this missense change (SIFT: "Deleterious"; PolyPhen-2: "Benign"; Align-GVGD: "Class C0"). This variant has not been reported in the literature in individuals affected with ERBB4-related conditions. This variant is not present in population databases (gnomAD no frequency).